The following is an entry in ClinVar:

ClinVar aggregate classification (germline): Benign/Likely benign. Review status: criteria provided, multiple submitters, no conflicts (2 of 4 stars). 12 submissions from 12 submitters: Benign (1); Likely benign (11). Last evaluated 2026-01-30.

Conditions:
Breast and/or ovarian cancer. Identifiers: MedGen CN221562.
Hereditary cancer-predisposing syndrome. Also called: Neoplastic Syndromes, Hereditary; Hereditary Cancer Syndrome; Tumor predisposition; Hereditary neoplastic syndrome. Identifiers: Orphanet 140162, MedGen C0027672, MeSH D009386, MONDO:0015356.
Familial cancer of breast. Also called: Hereditary breast cancer; hereditary breast carcinoma; BREAST CANCER, FAMILIAL. Identifiers: Orphanet 227535, MedGen C0346153, MONDO:0016419, OMIM 114480. Disease mechanism: loss of function.
Ataxia-telangiectasia syndrome (AT). Also called: Cerebello-oculocutaneous telangiectasia; Immunodeficiency with ataxia telangiectasia; Ataxia-telangiectasia, complementation group D; AT, COMPLEMENTATION GROUP C; Ataxia-telangiectasia, complementation group E; Ataxia-telangiectasia. Identifiers: Orphanet 100, MedGen C0004135, MONDO:0008840, OMIM 208900.

Allele frequency attached by ClinVar (database versions not stated): gnomAD exomes below 0.00001; gnomAD 0.00001; TOPMed 0.00001.
gnomAD v4.1: 7 of 1,613,520 alleles (0.00043%); highest among the groups gnomAD compares: Middle Eastern, 0.082%; no homozygotes.

Submissions (12):

Labcorp Genetics (formerly Invitae), Labcorp
Classification: Likely benign for Ataxia-telangiectasia syndrome. Last evaluated: 2026-01-30. Review status: criteria provided, single submitter. Criteria: Invitae Variant Classification Sherloc (09022015). Collection method: clinical testing. Allele origin: germline.

Center for Genomic Medicine, Rigshospitalet, Copenhagen University Hospital
Classification: Likely benign. Last evaluated: 2025-03-04. Review status: criteria provided, single submitter. Criteria: ACMG Guidelines, 2015. Collection method: clinical testing. Allele origin: germline.

Myriad Genetics, Inc.
Classification: Benign for Familial cancer of breast. Last evaluated: 2024-05-13. Review status: criteria provided, single submitter. Criteria: Myriad Autosomal Dominant, Autosomal Recessive and X-Linked Classification Criteria (2023). Collection method: clinical testing. Allele origin: unknown.
Comment: This variant is considered benign. This variant is a silent/synonymous amino acid change and it is not expected to impact splicing.

Blueprint Genetics
Classification: Likely benign. Last evaluated: 2024-02-28. Review status: criteria provided, single submitter. Criteria: ACMG Guidelines, 2015. Collection method: clinical testing. Allele origin: germline.

KCCC/NGS Laboratory, Kuwait Cancer Control Center
Classification: Likely benign for Familial cancer of breast. Last evaluated: 2023-07-07. Review status: criteria provided, single submitter. Criteria: ACMG Guidelines, 2015. Collection method: clinical testing. Allele origin: germline. Affected: yes.

CHEO Genetics Diagnostic Laboratory, Children's Hospital of Eastern Ontario
Classification: Likely benign for Breast and/or ovarian cancer. Last evaluated: 2023-01-12. Review status: criteria provided, single submitter. Criteria: ACMG Guidelines, 2015. Collection method: clinical testing. Allele origin: germline.

CeGaT Center for Human Genetics Tuebingen
Classification: Likely benign. Last evaluated: 2022-02-01. Review status: criteria provided, single submitter. Criteria: CeGaT Center For Human Genetics Tuebingen Variant Classification Criteria Version 2. Collection method: clinical testing. Allele origin: germline. Affected: yes. Observed: 1 variant allele.

GeneDx
Classification: Likely benign. Last evaluated: 2021-03-04. Review status: criteria provided, single submitter. Criteria: GeneDx Variant Classification Process June 2021. Collection method: clinical testing. Allele origin: germline. Affected: yes.

Sema4
Classification: Likely benign for Hereditary cancer-predisposing syndrome. Last evaluated: 2021-01-16. Review status: criteria provided, single submitter. Criteria: Sema4 Curation Guidelines. Collection method: curation. Allele origin: germline.

Color Diagnostics, LLC DBA Color Health
Classification: Likely benign for Hereditary cancer-predisposing syndrome. Last evaluated: 2017-06-15. Review status: criteria provided, single submitter. Criteria: ACMG Guidelines, 2015. Collection method: clinical testing. Allele origin: germline.

Ambry Genetics
Classification: Likely benign for Hereditary cancer-predisposing syndrome. Last evaluated: 2015-01-19. Review status: criteria provided, single submitter. Criteria: Ambry Variant Classification Scheme 2023. Collection method: clinical testing. Allele origin: germline.

Breakthrough Genomics
Classification: Likely benign. Review status: criteria provided, single submitter. Criteria: ACMG Guidelines, 2015. Collection method: not provided. Allele origin: germline. Inheritance: Autosomal recessive inheritance. Affected: yes.

NM_000051.4(ATM):c.3108C>T (p.Phe1036=)

Gene: ATM (ATM serine/threonine kinase; plus strand). Cytogenetic location: 11q22.3.
Variant type: single nucleotide variant.
Coding change: c.3108C>T on transcript NM_000051.4 (MANE Select); coding-DNA position 3108, C replaced by T.
Protein change: p.Phe1036=; no amino-acid change (phenylalanine 1036 retained).
Molecular consequence: synonymous variant.
Genome position (GRCh38, 1-based): chr11:108,272,562, C>T. VCF-style: chr11-108272562-C-T. GRCh37 (hg19) VCF-style: chr11-108143289-C-T.
Other names: c.3108C>T, p.Phe1036= (NM_001351834.2).
Identifiers: ClinVar variation 230144 (VCV000230144.56), dbSNP rs867514913, ClinGen allele CA10579084.